The following is an entry in ClinVar:

ClinVar aggregate classification (germline): Conflicting classifications of pathogenicity. Review status: criteria provided, conflicting classifications (1 of 4 stars). 2 submissions from 2 submitters: Uncertain significance (1); Likely benign (1). Last evaluated 2026-02-13.

Conditions:
Cardiovascular phenotype. Identifiers: MedGen CN230736.

Allele frequency attached by ClinVar (database versions not stated): gnomAD exomes below 0.00001.
gnomAD v4.1: 2 of 1,614,014 alleles (0.00012%); highest among the groups gnomAD compares: South Asian, 0.0011%; no homozygotes.

Submissions (2):

Ambry Genetics
Classification: Likely benign for Cardiovascular phenotype. Last evaluated: 2026-02-13. Review status: criteria provided, single submitter. Criteria: Ambry Variant Classification Scheme 2023. Collection method: clinical testing. Allele origin: germline.

CeGaT Center for Human Genetics Tuebingen
Classification: Uncertain significance. Last evaluated: 2022-03-01. Review status: criteria provided, single submitter. Criteria: CeGaT Center For Human Genetics Tuebingen Variant Classification Criteria Version 2. Collection method: clinical testing. Allele origin: germline. Affected: yes. Observed: 1 variant allele.
Comment: COL1A1: PM2, BP4

NM_000088.4(COL1A1):c.3370-4T>C

Gene: COL1A1 (collagen type I alpha 1 chain; minus strand). Cytogenetic location: 17q21.33.
Variant type: single nucleotide variant.
Coding change: c.3370-4T>C on transcript NM_000088.4 (MANE Select); 4 bases into the intron before coding-DNA position 3370, T replaced by C.
Molecular consequence: intron variant.
Genome position (GRCh38, 1-based): chr17:50,187,541, A>G on the plus strand (T>C on the coding strand, the complement: COL1A1 is on the minus strand). VCF-style: chr17-50187541-A-G. GRCh37 (hg19) VCF-style: chr17-48264902-A-G.
Other names: c.3370-4T>C (NM_000088.3).
Identifiers: ClinVar variation 1675677 (VCV001675677.33), dbSNP rs2144540862, ClinGen allele CA2573154187.